The following is an entry in ClinVar:

ClinVar aggregate classification (germline): Uncertain significance (1 of 4 stars; one submission).

Conditions:
Charcot-Marie-Tooth disease type 4. Also called: Charcot-Marie-Tooth disease, type IV; Charcot-Marie-Tooth, Type 4. Identifiers: Orphanet 64749, MedGen C4082197, MONDO:0018995.

Allele frequency attached by ClinVar (database versions not stated): gnomAD exomes below 0.00001.
gnomAD v4.1: 1 of 1,614,108 alleles (0.000062%); highest among the groups gnomAD compares: Non-Finnish European, 0.000085%; no homozygotes.

Submission:

Labcorp Genetics (formerly Invitae), Labcorp
Classification: Uncertain significance for Charcot-Marie-Tooth disease type 4. Last evaluated: 2021-09-23. Review status: criteria provided, single submitter. Criteria: Invitae Variant Classification Sherloc (09022015). Collection method: clinical testing. Allele origin: germline.
Comment: This sequence change replaces valine with alanine at codon 327 of the FGD4 protein (p.Val327Ala). The valine residue is moderately conserved and there is a small physicochemical difference between valine and alanine. This variant is not present in population databases (ExAC no frequency). This variant has not been reported in the literature in individuals affected with FGD4-related conditions. Algorithms developed to predict the effect of missense changes on protein structure and function (SIFT, PolyPhen-2, Align-GVGD) all suggest that this variant is likely to be tolerated. In summary, the available evidence is currently insufficient to determine the role of this variant in disease. Therefore, it has been classified as a Variant of Uncertain Significance.

NM_001370298.3(FGD4):c.1391T>C (p.Val464Ala)

Gene: FGD4 (FYVE, RhoGEF and PH domain containing 4; plus strand). Cytogenetic location: 12p11.21.
Variant type: single nucleotide variant.
Coding change: c.1391T>C on transcript NM_001370298.3 (MANE Select); coding-DNA position 1391, T replaced by C.
Protein change: p.Val464Ala; replaces valine 464 with alanine.
Molecular consequence: missense variant. On other transcripts: 5 prime UTR variant (1).
Genome position (GRCh38, 1-based): chr12:32,602,304, T>C. VCF-style: chr12-32602304-T-C. GRCh37 (hg19) VCF-style: chr12-32755238-T-C.
Other names: c.1235T>C, p.Val412Ala (NM_001304481.2); c.236T>C, p.Val79Ala (NM_001304483.2); c.-72T>C (NM_001304484.2); c.701T>C, p.Val234Ala (NM_001330373.2, NM_001330374.2, NM_001384130.1); c.428T>C, p.Val143Ala (NM_001370297.1); c.1391T>C, p.Val464Ala (NM_001384126.1); c.980T>C, p.Val327Ala (NM_001384127.1, NM_001384128.1, NM_001385118.1 and 1 more transcripts); short protein forms V79A, V143A, V234A, V327A, V464A, V412A.
Identifiers: ClinVar variation 1511937 (VCV001511937.6), dbSNP rs2136659782, ClinGen allele CA384359033.
Genomic context (GRCh38, chr12:32,602,304, plus strand): 5'-ATAATGCAATGGAATTGGTTAAAAACATGACAGAACGTATTCCCCAGTTCAAATCAGTGG[T>C]TGAAGAAATTCAGGTAATAGGACTGTTTTGTTCAAAGCTATGAATTACTATTTCCATACA-3'
Protein context (NP_001357227.2, residues 454-474): TERIPQFKSV[Val464Ala]EEIQKQKICG